The following is an entry in ClinVar:

NM_152383.5(DIS3L2):c.2290-4G>A

Gene: DIS3L2 (DIS3 like 3'-5' exoribonuclease 2; plus strand). Cytogenetic location: 2q37.1.
Variant type: single nucleotide variant.
Coding change: c.2290-4G>A on transcript NM_152383.5 (MANE Select); 4 bases into the intron before coding-DNA position 2290, G replaced by A.
Molecular consequence: intron variant.
Genome position (GRCh38, 1-based): chr2:232,334,627, G>A. VCF-style: chr2-232334627-G-A. GRCh37 (hg19) VCF-style: chr2-233199337-G-A.
Other names: c.1582-8718G>A (NM_001257281.2); c.2290-4G>A (NM_152383.4).
Identifiers: ClinVar variation 1094334 (VCV001094334.11), dbSNP rs1466719461, ClinGen allele CA540308657.

ClinVar aggregate classification (germline): Likely benign. Review status: criteria provided, single submitter (1 of 4 stars). 2 submissions from 2 submitters: Likely benign (1). 1 of the submissions does not count toward it. Last evaluated 2022-10-11.

Conditions:
Perlman syndrome (PRLMNS). Identifiers: Orphanet 2849, MedGen C0796113, MONDO:0009965, OMIM 267000.
DIS3L2-related disorder. Also called: DIS3L2-related condition.

Allele frequency attached by ClinVar (database versions not stated): gnomAD exomes 0.00001.
gnomAD v4.1: 3 of 1,605,852 alleles (0.00019%); highest among the groups gnomAD compares: Non-Finnish European, 0.000085%; no homozygotes.

Submissions (2):

Labcorp Genetics (formerly Invitae), Labcorp
Classification: Likely benign for Perlman syndrome. Last evaluated: 2022-10-11. Review status: criteria provided, single submitter. Criteria: Invitae Variant Classification Sherloc (09022015). Collection method: clinical testing. Allele origin: germline.

PreventionGenetics, part of Exact Sciences
Classification: Likely benign for DIS3L2-related condition. Last evaluated: 2023-04-18. Review status: no assertion criteria provided. Collection method: clinical testing. Allele origin: germline. Not counted in ClinVar's aggregate classification.
Comment: This variant is classified as likely benign based on ACMG/AMP sequence variant interpretation guidelines (Richards et al. 2015 PMID: 25741868, with internal and published modifications).